The following is an entry in ClinVar:

NM_014208.3(DSPP):c.3696_3699del (p.Asn1232fs)

Genes: DMP1-AS1 (DMP1 and DSPP antisense RNA 1; minus strand), DSPP (dentin sialophosphoprotein; plus strand). Cytogenetic location: 4q22.1.
Variant type: Deletion.
Coding change: c.3696_3699del on transcript NM_014208.3 (MANE Select); coding-DNA positions 3696 to 3699, 4 bases deleted (TGAA; older notation c.3696_3699delTGAA).
Protein change: p.Asn1232fs; shifts the reading frame from asparagine 1232.
Molecular consequence: frameshift variant.
Genome position (GRCh38, 1-based): chr4:87,616,358-87,616,361, TGAA deleted; deleting any 4 consecutive bases within chr4:87,616,356-87,616,361 gives the same sequence; the c. name uses the placement nearest the transcript's 3' end. VCF-style (leftmost placement, unchanged base first): chr4-87616355-CAATG-C. GRCh37 (hg19) VCF-style: chr4-88537507-CAATG-C.
Other names: short protein forms N1232fs.
Identifiers: ClinVar variation 2444169 (VCV002444169.1), dbSNP rs2475887697, ClinGen allele CA2580071878.

ClinVar aggregate classification (germline): Uncertain significance (1 of 4 stars; one submission).

Conditions:
Dentinogenesis imperfecta type 2 (DGI1). Also called: OPALESCENT DENTIN; OPALESCENT TEETH WITHOUT OSTEOGENESIS IMPERFECTA; Hereditary Opalescent Dentin; Dentinogenesis imperfecta - Shield's type II; Dentinogenesis imperfecta without osteogenesis imperfecta; CAPDEPONT TEETH. Identifiers: Orphanet 166260, MedGen C2973527, MONDO:0007441, OMIM 125490. Disease mechanism: loss of function.

Submission:

3billion
Classification: Uncertain significance for Dentinogenesis imperfecta type 2. Last evaluated: 2023-02-23. Review status: criteria provided, single submitter. Criteria: ACMG Guidelines, 2015. Collection method: clinical testing. Allele origin: unknown. Affected: yes.
Comment: The variant is not observed in the gnomAD v2.1.1 dataset. This variant was predicted to result in a loss or disruption of normal protein function through protein truncation. The predicted truncated protein may be shortened by less than 10%. Therefore, this variant is classified as VUS according to the recommendation of ACMG/AMP guideline.